The following is an entry in ClinVar:

NM_001330078.2(NRXN1):c.4174G>C (p.Asp1392His)

Gene: NRXN1 (neurexin 1; minus strand). Cytogenetic location: 2p16.3.
Variant type: single nucleotide variant.
Coding change: c.4174G>C on transcript NM_001330078.2 (MANE Select); coding-DNA position 4174, G replaced by C.
Protein change: p.Asp1392His; replaces aspartic acid 1392 with histidine.
Molecular consequence: missense variant.
Genome position (GRCh38, 1-based): chr2:49,943,746, C>G on the plus strand (G>C on the coding strand, the complement: NRXN1 is on the minus strand). VCF-style: chr2-49943746-C-G. GRCh37 (hg19) VCF-style: chr2-50170884-C-G.
Other names: c.4162G>C, p.Asp1388His (NM_001330094.2); c.4033G>C, p.Asp1345His (NM_001330095.2); c.3973G>C, p.Asp1325His (NM_001330096.2, NM_001330087.2); c.979G>C, p.Asp327His (NM_001330097.2, NM_138735.5); c.4084G>C, p.Asp1362His (NM_004801.6); c.4294G>C, p.Asp1432His (NM_001135659.3); c.79G>C, p.Asp27His (NM_001320156.4, NM_001320157.4); c.4150G>C, p.Asp1384His (NM_001330077.2, NM_001330082.2); and 7 more; short protein forms D1362H, D1388H, D1391H, D327H, D1335H, D1392H, D27H, D1325H.
Identifiers: ClinVar variation 1487894 (VCV001487894.8), dbSNP rs2104381729, ClinGen allele CA346818030.

ClinVar aggregate classification (germline): Uncertain significance (1 of 4 stars; one submission).

Conditions:
Pitt-Hopkins-like syndrome 2 (PTHSL2). Identifiers: Orphanet 221150, Orphanet 600663, MedGen C3280479, MONDO:0013690, OMIM 614325.

Allele frequency attached by ClinVar (database versions not stated): gnomAD exomes below 0.00001.
gnomAD v4.1: 1 of 1,612,500 alleles (0.000062%); highest among the groups gnomAD compares: Non-Finnish European, 0.000085%; no homozygotes.

Submission:

Labcorp Genetics (formerly Invitae), Labcorp
Classification: Uncertain significance for Pitt-Hopkins-like syndrome 2. Last evaluated: 2020-11-10. Review status: criteria provided, single submitter. Criteria: Invitae Variant Classification Sherloc (09022015). Collection method: clinical testing. Allele origin: germline.
Comment: This sequence change replaces aspartic acid with histidine at codon 1432 of the NRXN1 protein (p.Asp1432His). The aspartic acid residue is highly conserved and there is a moderate physicochemical difference between aspartic acid and histidine. This variant is not present in population databases (ExAC no frequency). This variant has not been reported in the literature in individuals with NRXN1-related conditions. Algorithms developed to predict the effect of missense changes on protein structure and function are either unavailable or do not agree on the potential impact of this missense change (SIFT: "Deleterious"; PolyPhen-2: "Probably Damaging"; Align-GVGD: "Class C0"). In summary, the available evidence is currently insufficient to determine the role of this variant in disease. Therefore, it has been classified as a Variant of Uncertain Significance.